The following is an entry in ClinVar:

NM_001033855.3(DCLRE1C):c.1313_1317del (p.Ala438fs)

Gene: DCLRE1C (DNA cross-link repair 1C; minus strand). Cytogenetic location: 10p13.
Variant type: Microsatellite.
Coding change: c.1313_1317del on transcript NM_001033855.3 (MANE Select); coding-DNA positions 1313 to 1317, 5 bases deleted (CAGAG; older notation c.1313_1317delCAGAG).
Protein change: p.Ala438fs; shifts the reading frame from alanine 438.
Molecular consequence: frameshift variant. On other transcripts: non-coding transcript variant (4).
Genome position (GRCh38, 1-based): chr10:14,909,170-14,909,174, CTCTG deleted on the plus strand (CAGAG on the coding strand, the reverse complement: DCLRE1C is on the minus strand); deleting any 5 consecutive bases within chr10:14,909,170-14,909,180 gives the same sequence; the c. name uses the placement nearest the transcript's 3' end. VCF-style (leftmost placement, unchanged base first): chr10-14909169-ACTCTG-A. GRCh37 (hg19) VCF-style: chr10-14951168-ACTCTG-A.
Other names: c.953_957del, p.Ala318fs (NM_001033857.3, NM_001033858.3, NM_001289077.2 and 2 more transcripts); c.968_972del, p.Ala323fs (NM_001289076.2, NM_001289078.2, NM_001350966.2 and 1 more transcripts); c.1313_1317del, p.Ala438fs (NM_001350965.2); short protein forms A323fs, A438fs, A318fs.
Identifiers: ClinVar variation 1370296 (VCV001370296.8), dbSNP rs2131778479, ClinGen allele CA2580615435.
Genomic context (GRCh38, chr10:14,909,169, plus strand): 5'-CACTTTCACTGTTGGATTCTTCACAATCTACAAAGTTTGTGAAACGAGAGCTCTGCATAC[ACTCTG>A]CTCTGCAGCATCCTGGGGTTTGTCTCAGTTTTTCAGGCTGCTTTTCTGATACTGCAGTCA-3'

ClinVar aggregate classification (germline): Pathogenic (1 of 4 stars; one submission).

Conditions:
Severe combined immunodeficiency due to DCLRE1C deficiency (RS-SCID). Also called: SCID, AUTOSOMAL RECESSIVE, T CELL-NEGATIVE, B CELL-NEGATIVE, NK CELL-POSITIVE, WITH SENSITIVITY TO IONIZING RADIATION. Identifiers: Orphanet 275, MedGen C1865371, MONDO:0011225, OMIM 602450.

Submission:

Labcorp Genetics (formerly Invitae), Labcorp
Classification: Pathogenic for Athabaskan severe combined immunodeficiency. Last evaluated: 2020-12-29. Review status: criteria provided, single submitter. Criteria: Invitae Variant Classification Sherloc (09022015). Collection method: clinical testing. Allele origin: germline.
Comment: For these reasons, this variant has been classified as Pathogenic. This sequence change creates a premature translational stop signal (p.Ala438Valfs*14) in the DCLRE1C gene. While this is not anticipated to result in nonsense mediated decay, it is expected to disrupt the last 255 amino acid(s) of the DCLRE1C protein. This variant is not present in population databases (ExAC no frequency). This variant has not been reported in the literature in individuals with DCLRE1C-related conditions. This variant disrupts the C-terminus of the DCLRE1C protein. Other variant(s) that disrupt this region (p.Thr557Asnfs*21) have been determined to be pathogenic (PMID: 26476407). This suggests that variants that disrupt this region of the protein are likely to be causative of disease.

Literature cited by the submitters: PubMed 26476407.